The following is an entry in ClinVar:

ClinVar aggregate classification (germline): Uncertain significance (1 of 4 stars; one submission).

Submission:

GeneDx
Classification: Uncertain significance. Last evaluated: 2023-04-05. Review status: criteria provided, single submitter. Criteria: GeneDx Variant Classification Process June 2021. Collection method: clinical testing. Allele origin: germline. Affected: yes.
Comment: Not observed at significant frequency in large population cohorts (gnomAD); In silico analysis supports that this missense variant does not alter protein structure/function; Has not been previously published as pathogenic or benign to our knowledge

NM_001130438.3(SPTAN1):c.6266G>C (p.Ser2089Thr)

Gene: SPTAN1 (spectrin alpha, non-erythrocytic 1; plus strand). Cytogenetic location: 9q34.11.
Variant type: single nucleotide variant.
Coding change: c.6266G>C on transcript NM_001130438.3 (MANE Select); coding-DNA position 6266, G replaced by C.
Protein change: p.Ser2089Thr; replaces serine 2089 with threonine.
Molecular consequence: missense variant.
Genome position (GRCh38, 1-based): chr9:128,625,965, G>C. VCF-style: chr9-128625965-G-C. GRCh37 (hg19) VCF-style: chr9-131388244-G-C.
Other names: c.6191G>C, p.Ser2064Thr (NM_001195532.2); c.6266G>C, p.Ser2089Thr (NM_001363759.2, NM_001375310.1, NM_001375311.2 and 1 more transcripts); c.6206G>C, p.Ser2069Thr (NM_001363765.2, NM_001375314.2); c.6302G>C, p.Ser2101Thr (NM_001375312.2, NM_001375318.1); c.6251G>C, p.Ser2084Thr (NM_003127.4); short protein forms S2064T, S2069T, S2084T, S2089T, S2101T.
Identifiers: ClinVar variation 2662456 (VCV002662456.1), dbSNP rs2542192376, ClinGen allele CA375087371.
Genomic context (GRCh38, chr9:128,625,965, plus strand): 5'-GGTGGAGCCAGCTTCTGGCCAACTCAGCCGCCCGCAAGAAGAAGCTTCTGGAGGCTCAGA[G>C]TCACTTCCGCAAGGTGAGGATGGGGCCACGTGAAGCTTAGCTGGCCCACAGCTCAAGGAA-3'
Protein context (NP_001123910.1, residues 2079-2099): ARKKKLLEAQ[Ser2089Thr]HFRKVEDLFL